The following is an entry in ClinVar:

ClinVar aggregate classification (germline): Conflicting classifications of pathogenicity. Review status: criteria provided, conflicting classifications (1 of 4 stars). 4 submissions from 2 submitters: Uncertain significance (3); Benign (1). Last evaluated 2025-11-24.

Conditions:
Complement component 3 deficiency. Identifiers: Orphanet 280133, MedGen C3151071, MONDO:0013417, OMIM 613779.
Atypical hemolytic-uremic syndrome with C3 anomaly. Also called: AHUS, SUSCEPTIBILITY TO, 5. Identifiers: Orphanet 2134, MedGen C2752037, MONDO:0013043, OMIM 612925.
Age related macular degeneration 9. Identifiers: MedGen C1969651, MONDO:0012659, OMIM 611378.

Allele frequency attached by ClinVar (database versions not stated): gnomAD 0.00001; TOPMed 0.00002; gnomAD exomes 0.00003 and 0.00006; ExAC 0.00007.
gnomAD v4.1: 18 of 1,604,812 alleles (0.0011%); highest among the groups gnomAD compares: Admixed American, 0.025%; no homozygotes.

Submissions (4):

Labcorp Genetics (formerly Invitae), Labcorp
Classification: Uncertain significance. Last evaluated: 2025-11-24. Review status: criteria provided, single submitter. Criteria: Invitae Variant Classification Sherloc (09022015). Collection method: clinical testing. Allele origin: germline.
Comment: This sequence change replaces isoleucine, which is neutral and non-polar, with valine, which is neutral and non-polar, at codon 255 of the C3 protein (p.Ile255Val). This variant is present in population databases (rs746486431, gnomAD 0.03%). This variant has not been reported in the literature in individuals affected with C3-related conditions. ClinVar contains an entry for this variant (Variation ID: 894016). Invitae Evidence Modeling of protein sequence and biophysical properties (such as structural, functional, and spatial information, amino acid conservation, physicochemical variation, residue mobility, and thermodynamic stability) indicates that this missense variant is not expected to disrupt C3 protein function with a negative predictive value of 80%. In summary, the available evidence is currently insufficient to determine the role of this variant in disease. Therefore, it has been classified as a Variant of Uncertain Significance.

Illumina Laboratory Services, Illumina
Classification: Uncertain significance for Age related macular degeneration 9. Last evaluated: 2018-01-13. Review status: criteria provided, single submitter. Criteria: ICSL Variant Classification Criteria 13 December 2019. Collection method: clinical testing. Allele origin: germline.

Illumina Laboratory Services, Illumina
Classification: Benign for Atypical hemolytic-uremic syndrome with C3 anomaly. Last evaluated: 2018-01-13. Review status: criteria provided, single submitter. Criteria: ICSL Variant Classification Criteria 13 December 2019. Collection method: clinical testing. Allele origin: germline.
Comment: This variant was observed in the ICSL laboratory as part of a predisposition screen in an ostensibly healthy population. It had not been previously curated by ICSL or reported in the Human Gene Mutation Database (HGMD: prior to June 1st, 2018), and was therefore a candidate for classification through an automated scoring system. Utilizing variant allele frequency, disease prevalence and penetrance estimates, and inheritance mode, an automated score was calculated to assess if this variant is too frequent to cause the disease. Based on the score and internal cut-off values, a variant classified as benign is not then subjected to further curation. The score for this variant resulted in a classification of benign for this disease.

Illumina Laboratory Services, Illumina
Classification: Uncertain significance for Complement component 3 deficiency. Last evaluated: 2018-01-13. Review status: criteria provided, single submitter. Criteria: ICSL Variant Classification Criteria 13 December 2019. Collection method: clinical testing. Allele origin: germline.

NM_000064.4(C3):c.763A>G (p.Ile255Val)

Gene: C3 (complement C3; minus strand). Cytogenetic location: 19p13.3.
Variant type: single nucleotide variant.
Coding change: c.763A>G on transcript NM_000064.4 (MANE Select); coding-DNA position 763, A replaced by G.
Protein change: p.Ile255Val; replaces isoleucine 255 with valine.
Molecular consequence: missense variant.
Genome position (GRCh38, 1-based): chr19:6,714,002, T>C on the plus strand (A>G on the coding strand, the complement: C3 is on the minus strand). VCF-style: chr19-6714002-T-C. GRCh37 (hg19) VCF-style: chr19-6714013-T-C.
Other names: short protein forms I255V.
Identifiers: ClinVar variation 894016 (VCV000894016.9), dbSNP rs746486431, ClinGen allele CA9129696.